The following is an entry in ClinVar:

ClinVar aggregate classification (germline): Conflicting classifications of pathogenicity. Review status: criteria provided, conflicting classifications (1 of 4 stars). 7 submissions from 7 submitters: Uncertain significance (1); Benign (2); Likely benign (3). 1 of the submissions does not count toward it. Last evaluated 2026-01-27.

Conditions:
OTOGL-related disorder. Also called: OTOGL-related condition.

Allele frequency attached by ClinVar (database versions not stated): gnomAD exomes 0.00102; ESP Exome Variant Server 0.00147; gnomAD 0.00196 and 0.00205; TOPMed 0.00228; 1000 Genomes Project 0.00260; ExAC 0.00262; 1000 Genomes Project 30x 0.00265.
gnomAD v4.1: 1,254 of 1,366,972 alleles (0.092%); highest among the groups gnomAD compares: Middle Eastern, 0.89%; 4 homozygotes.

Submissions (8):

Labcorp Genetics (formerly Invitae), Labcorp
Classification: Benign. Last evaluated: 2026-01-27. Review status: criteria provided, single submitter. Criteria: Invitae Variant Classification Sherloc (09022015). Collection method: clinical testing. Allele origin: germline.

CeGaT Center for Human Genetics Tuebingen
Classification: Likely benign. Last evaluated: 2025-10-01. Review status: criteria provided, single submitter. Criteria: CeGaT Center For Human Genetics Tuebingen Variant Classification Criteria Version 2. Collection method: clinical testing. Allele origin: germline. Affected: yes. Observed: 2 variant alleles.
Comment: OTOGL: BP4, BP7

Blueprint Genetics
Classification: Likely benign. Last evaluated: 2024-11-27. Review status: criteria provided, single submitter. Criteria: ACMG Guidelines, 2015. Collection method: clinical testing. Allele origin: germline.

GeneDx
Classification: Likely benign. Last evaluated: 2021-01-12. Review status: criteria provided, single submitter. Criteria: GeneDx Variant Classification Process June 2021. Collection method: clinical testing. Allele origin: germline. Affected: yes.

Eurofins Ntd Llc (ga)
Classification: Uncertain significance. Last evaluated: 2018-02-01. Review status: criteria provided, single submitter. Criteria: EGL Classification Definitions 2015. Collection method: clinical testing. Allele origin: germline. Observed: 1 variant allele, 1 heterozygote.

Laboratory for Molecular Medicine, Mass General Brigham Personalized Medicine
Classification: Benign. Last evaluated: 2014-11-24. Review status: criteria provided, single submitter. Criteria: LMM Criteria. Collection method: clinical testing. Allele origin: germline. Observed: 6 variant alleles.
Comment: Gln1014Gln in exon 27 of OTOGL: This variant is not expected to have clinical si gnificance because it does not alter an amino acid residue and is not located wi thin the splice consensus sequence. It has been identified in 4.6% (9/194) of Lu hya (Kenyan) chromosomes from a broad population by the 1000 Genomes Project (dbSNP rs144125797).

PreventionGenetics, part of Exact Sciences
Classification: Likely benign for OTOGL-related condition. Last evaluated: 2020-03-18. Review status: no assertion criteria provided. Collection method: clinical testing. Allele origin: germline. Not counted in ClinVar's aggregate classification.
Comment: This variant is classified as likely benign based on ACMG/AMP sequence variant interpretation guidelines (Richards et al. 2015 PMID: 25741868, with internal and published modifications).

Dr. Peter K. Rogan Lab, Western University
No classification provided (evidence only). Condition: Sarcoma. Review status: no classification provided. Collection method: in vitro. Allele origin: not applicable. Functional consequence: retained intron. Not counted in ClinVar's aggregate classification.

NM_001378609.3(OTOGL):c.3069A>G (p.Gln1023=)

Gene: OTOGL (otogelin like; plus strand). Cytogenetic location: 12q21.31.
Variant type: single nucleotide variant.
Coding change: c.3069A>G on transcript NM_001378609.3 (MANE Select); coding-DNA position 3069, A replaced by G.
Protein change: p.Gln1023=; no amino-acid change (glutamine 1023 retained).
Molecular consequence: synonymous variant.
Genome position (GRCh38, 1-based): chr12:80,302,639, A>G. VCF-style: chr12-80302639-A-G. GRCh37 (hg19) VCF-style: chr12-80696419-A-G.
Other names: c.2934A>G, p.Gln978= (NM_001368062.3); c.3069A>G, p.Gln1023= (NM_001378610.3, NM_173591.7).
Identifiers: ClinVar variation 226936 (VCV000226936.47), dbSNP rs144125797, ClinGen allele CA6700964.